The following is an entry in ClinVar:

ClinVar aggregate classification (germline): Uncertain significance (1 of 4 stars; one submission).

Conditions:
Majeed syndrome (MJDS). Also called: LPIN2-Related Majeed Syndrome; CHRONIC RECURRENT MULTIFOCAL OSTEOMYELITIS 1, WITH CONGENITAL DYSERYTHROPOIETIC ANEMIA, WITH OR WITHOUT NEUTROPHILIC DERMATOSIS. Identifiers: Orphanet 77297, MedGen C1864997, MONDO:0012316, OMIM 609628.

Allele frequency attached by ClinVar (database versions not stated): gnomAD exomes below 0.00001; gnomAD 0.00001; TOPMed 0.00001.
gnomAD v4.1: 2 of 1,613,962 alleles (0.00012%); highest among the groups gnomAD compares: African/African-American, 0.0013%; no homozygotes.

Submission:

Labcorp Genetics (formerly Invitae), Labcorp
Classification: Uncertain significance for Majeed syndrome. Last evaluated: 2022-08-19. Review status: criteria provided, single submitter. Criteria: Invitae Variant Classification Sherloc (09022015). Collection method: clinical testing. Allele origin: germline.
Comment: This sequence change replaces glutamic acid, which is acidic and polar, with lysine, which is basic and polar, at codon 457 of the LPIN2 protein (p.Glu457Lys). This variant is present in population databases (no rsID available, gnomAD 0.01%). This variant has not been reported in the literature in individuals affected with LPIN2-related conditions. Algorithms developed to predict the effect of missense changes on protein structure and function are either unavailable or do not agree on the potential impact of this missense change (SIFT: "Tolerated"; PolyPhen-2: "Probably Damaging"; Align-GVGD: "Class C0"). In summary, the available evidence is currently insufficient to determine the role of this variant in disease. Therefore, it has been classified as a Variant of Uncertain Significance.

NM_001375808.2(LPIN2):c.1369G>A (p.Glu457Lys)

Gene: LPIN2 (lipin 2; minus strand). Cytogenetic location: 18p11.31.
Variant type: single nucleotide variant.
Coding change: c.1369G>A on transcript NM_001375808.2 (MANE Select); coding-DNA position 1369, G replaced by A.
Protein change: p.Glu457Lys; replaces glutamic acid 457 with lysine.
Molecular consequence: missense variant.
Genome position (GRCh38, 1-based): chr18:2,931,343, C>T on the plus strand (G>A on the coding strand, the complement: LPIN2 is on the minus strand). VCF-style: chr18-2931343-C-T. GRCh37 (hg19) VCF-style: chr18-2931341-C-T.
Other names: c.1369G>A, p.Glu457Lys (NM_001375809.1, NM_014646.2); short protein forms E457K.
Identifiers: ClinVar variation 2124818 (VCV002124818.4), dbSNP rs982902380, ClinGen allele CA295497342.
Genomic context (GRCh38, chr18:2,931,343, plus strand): 5'-GGCCCCCGCAAAGGGAGAGGGTAACGTCAGGCAAGTCCATGGCAGAATCTGAGAGGCACT[C>T]GGTGCCGCTATCTGCAGCTGCGCTTCCCACGGACTGTGGGGACTGGGAGCCAGAGAGTGT-3'
Protein context (NP_001362737.1, residues 447-467): VGSAAADSGT[Glu457Lys]CLSDSAMDLP